The following is an entry in ClinVar:

NM_000051.4(ATM):c.3814G>A (p.Ala1272Thr)

Gene: ATM (ATM serine/threonine kinase; plus strand). Cytogenetic location: 11q22.3.
Variant type: single nucleotide variant.
Coding change: c.3814G>A on transcript NM_000051.4 (MANE Select); coding-DNA position 3814, G replaced by A.
Protein change: p.Ala1272Thr; replaces alanine 1272 with threonine.
Molecular consequence: missense variant.
Genome position (GRCh38, 1-based): chr11:108,284,294, G>A. VCF-style: chr11-108284294-G-A. GRCh37 (hg19) VCF-style: chr11-108155021-G-A.
Other names: c.3814G>A, p.Ala1272Thr (NM_001351834.2); short protein forms A1272T.
Identifiers: ClinVar variation 490549 (VCV000490549.18), dbSNP rs1555093420, ClinGen allele CA382524829.

ClinVar aggregate classification (germline): Uncertain significance. Review status: criteria provided, multiple submitters, no conflicts (2 of 4 stars). 3 submissions from 3 submitters: Uncertain significance (3). Last evaluated 2026-01-04.

Conditions:
Hereditary cancer-predisposing syndrome. Also called: Tumor predisposition; Neoplastic Syndromes, Hereditary; Hereditary Cancer Syndrome; Hereditary neoplastic syndrome. Identifiers: Orphanet 140162, MedGen C0027672, MeSH D009386, MONDO:0015356.
Ataxia-telangiectasia syndrome (AT). Also called: Ataxia-telangiectasia; Ataxia-telangiectasia, complementation group D; AT, COMPLEMENTATION GROUP C; LOUIS-BAR SYNDROME; Cerebello-oculocutaneous telangiectasia; Immunodeficiency with ataxia telangiectasia. Identifiers: Orphanet 100, MedGen C0004135, MONDO:0008840, OMIM 208900.

Submissions (3):

Labcorp Genetics (formerly Invitae), Labcorp
Classification: Uncertain significance for Ataxia-telangiectasia syndrome. Last evaluated: 2026-01-04. Review status: criteria provided, single submitter. Criteria: Invitae Variant Classification Sherloc (09022015). Collection method: clinical testing. Allele origin: germline.
Comment: This sequence change replaces alanine, which is neutral and non-polar, with threonine, which is neutral and polar, at codon 1272 of the ATM protein (p.Ala1272Thr). This variant is not present in population databases (gnomAD no frequency). This variant has not been reported in the literature in individuals affected with ATM-related conditions. ClinVar contains an entry for this variant (Variation ID: 490549). Invitae Evidence Modeling of protein sequence and biophysical properties (such as structural, functional, and spatial information, amino acid conservation, physicochemical variation, residue mobility, and thermodynamic stability) indicates that this missense variant is not expected to disrupt ATM protein function with a negative predictive value of 95%. In summary, the available evidence is currently insufficient to determine the role of this variant in disease. Therefore, it has been classified as a Variant of Uncertain Significance.

Color Diagnostics, LLC DBA Color Health
Classification: Uncertain significance for Hereditary cancer-predisposing syndrome. Last evaluated: 2023-12-05. Review status: criteria provided, single submitter. Criteria: ACMG Guidelines, 2015. Collection method: clinical testing. Allele origin: germline.
Comment: This missense variant replaces alanine with threonine at codon 1272 of the ATM protein. Computational prediction suggests that this variant may not impact protein structure and function (internally defined REVEL score threshold <= 0.5, PMID: 27666373). To our knowledge, functional studies have not been reported for this variant. This variant has not been reported in individuals affected with ATM-related disorders in the literature. This variant has not been identified in the general population by the Genome Aggregation Database (gnomAD). The available evidence is insufficient to determine the role of this variant in disease conclusively. Therefore, this variant is classified as a Variant of Uncertain Significance.

Ambry Genetics
Classification: Uncertain significance for Hereditary cancer-predisposing syndrome. Last evaluated: 2023-05-08. Review status: criteria provided, single submitter. Criteria: Ambry Variant Classification Scheme 2023. Collection method: clinical testing. Allele origin: germline.
Comment: The p.A1272T variant (also known as c.3814G>A), located in coding exon 25 of the ATM gene, results from a G to A substitution at nucleotide position 3814. The alanine at codon 1272 is replaced by threonine, an amino acid with similar properties. This amino acid position is well conserved in available vertebrate species. In addition, the in silico prediction for this alteration is inconclusive. Since supporting evidence is limited at this time, the clinical significance of this alteration remains unclear.